The following is an entry in ClinVar:

ClinVar aggregate classification (germline): Uncertain significance. Review status: criteria provided, multiple submitters, no conflicts (2 of 4 stars). 2 submissions from 2 submitters: Uncertain significance (2). Last evaluated 2025-05-19.

Conditions:
Birt-Hogg-Dube syndrome. Also called: Birt Hogg Dubé syndrome. Identifiers: Orphanet 122, MedGen C0346010, MONDO:0800444.
Hereditary cancer-predisposing syndrome. Also called: Tumor predisposition; Neoplastic Syndromes, Hereditary; Hereditary Cancer Syndrome; Hereditary neoplastic syndrome. Identifiers: Orphanet 140162, MedGen C0027672, MeSH D009386, MONDO:0015356.

Allele frequency attached by ClinVar (database versions not stated): gnomAD exomes below 0.00001.
gnomAD v4.1: 2 of 1,614,252 alleles (0.00012%); highest among the groups gnomAD compares: Admixed American, 0.0017%; no homozygotes.

Submissions (2):

Labcorp Genetics (formerly Invitae), Labcorp
Classification: Uncertain significance for Birt-Hogg-Dube syndrome. Last evaluated: 2025-05-19. Review status: criteria provided, single submitter. Criteria: Invitae Variant Classification Sherloc (09022015). Collection method: clinical testing. Allele origin: germline.
Comment: This sequence change replaces asparagine, which is neutral and polar, with aspartic acid, which is acidic and polar, at codon 546 of the FLCN protein (p.Asn546Asp). This variant is present in population databases (no rsID available, gnomAD 0.003%). This variant has not been reported in the literature in individuals affected with FLCN-related conditions. ClinVar contains an entry for this variant (Variation ID: 1776931). Invitae Evidence Modeling of protein sequence and biophysical properties (such as structural, functional, and spatial information, amino acid conservation, physicochemical variation, residue mobility, and thermodynamic stability) indicates that this missense variant is not expected to disrupt FLCN protein function with a negative predictive value of 80%. In summary, the available evidence is currently insufficient to determine the role of this variant in disease. Therefore, it has been classified as a Variant of Uncertain Significance.

Ambry Genetics
Classification: Uncertain significance for Hereditary cancer-predisposing syndrome. Last evaluated: 2021-11-12. Review status: criteria provided, single submitter. Criteria: Ambry Variant Classification Scheme 2023. Collection method: clinical testing. Allele origin: germline.
Comment: The p.N546D variant (also known as c.1636A>G), located in coding exon 11 of the FLCN gene, results from an A to G substitution at nucleotide position 1636. The asparagine at codon 546 is replaced by aspartic acid, an amino acid with highly similar properties. This amino acid position is highly conserved in available vertebrate species. In addition, the in silico prediction for this alteration is inconclusive. Since supporting evidence is limited at this time, the clinical significance of this alteration remains unclear.

NM_144997.7(FLCN):c.1636A>G (p.Asn546Asp)

Gene: FLCN (folliculin; minus strand). Cytogenetic location: 17p11.2.
Variant type: single nucleotide variant.
Coding change: c.1636A>G on transcript NM_144997.7 (MANE Select); coding-DNA position 1636, A replaced by G.
Protein change: p.Asn546Asp; replaces asparagine 546 with aspartic acid.
Molecular consequence: missense variant.
Genome position (GRCh38, 1-based): chr17:17,213,759, T>C on the plus strand (A>G on the coding strand, the complement: FLCN is on the minus strand). VCF-style: chr17-17213759-T-C. GRCh37 (hg19) VCF-style: chr17-17117073-T-C.
Other names: c.1690A>G, p.Asn564Asp (NM_001353229.2); c.1636A>G, p.Asn546Asp (NM_001353230.2, NM_001353231.2); short protein forms N546D, N564D.
Identifiers: ClinVar variation 1776931 (VCV001776931.3), dbSNP rs1238615374, ClinGen allele CA398529966.